The following is an entry in ClinVar:

ClinVar aggregate classification (germline): Uncertain significance. Review status: criteria provided, multiple submitters, no conflicts (2 of 4 stars). 2 submissions from 2 submitters: Uncertain significance (2). Last evaluated 2026-01-14.

Conditions:
Hereditary spastic paraplegia 7 (SPG7). Also called: SPASTIC PARAPLEGIA 7, AUTOSOMAL RECESSIVE, WITH OR WITHOUT CEREBELLAR ATAXIA; SPG7-related neurologic disorder; Spastic paraplegia 7; Hereditary spastic paraplegia Paraplegin type; Autosomal recessive spastic paraplegia type 7. Identifiers: Orphanet 99013, MedGen C1846564, MONDO:0011803, OMIM 607259.

gnomAD v4.1: 6 of 1,614,132 alleles (0.00037%); highest among the groups gnomAD compares: East Asian, 0.013%; no homozygotes.

Submissions (2):

Women's Health and Genetics/Laboratory Corporation of America, LabCorp
Classification: Uncertain significance. Last evaluated: 2026-01-14. Review status: criteria provided, single submitter. Criteria: LabCorp Variant Classification Summary - May 2015. Collection method: clinical testing. Allele origin: germline.
Comment: Variant summary: SPG7 c.1016C>A (p.Ala339Asp) results in a non-conservative amino acid change in the encoded protein sequence. Algorithms developed to predict the effect of missense changes on protein structure and function all suggest that this variant is likely to be disruptive. The variant allele was found at a frequency of 1.6e-05 in 250906 control chromosomes. c.1016C>A has been observed in individuals affected with Spastic Paraplegia/Ataxia (e.g. Kim_2020, Ahn_2024). These data indicate that the variant may be associated with disease. To our knowledge, no experimental evidence demonstrating an impact on protein function has been reported. The following publications have been ascertained in the context of this evaluation (PMID: 32961395, 39609445). ClinVar contains an entry for this variant (Variation ID: 3610701). Based on the evidence outlined above, the variant was classified as VUS-possibly pathogenic.

Labcorp Genetics (formerly Invitae), Labcorp
Classification: Uncertain significance for Hereditary spastic paraplegia 7. Last evaluated: 2024-09-05. Review status: criteria provided, single submitter. Criteria: Invitae Variant Classification Sherloc (09022015). Collection method: clinical testing. Allele origin: germline.
Comment: This sequence change replaces alanine, which is neutral and non-polar, with aspartic acid, which is acidic and polar, at codon 339 of the SPG7 protein (p.Ala339Asp). This variant is present in population databases (rs761518974, gnomAD 0.02%). This variant has not been reported in the literature in individuals affected with SPG7-related conditions. Invitae Evidence Modeling of protein sequence and biophysical properties (such as structural, functional, and spatial information, amino acid conservation, physicochemical variation, residue mobility, and thermodynamic stability) indicates that this missense variant is expected to disrupt SPG7 protein function with a positive predictive value of 80%. In summary, the available evidence is currently insufficient to determine the role of this variant in disease. Therefore, it has been classified as a Variant of Uncertain Significance.

Literature cited by the submitters: PubMed 39609445 (cited by Women's Health and Genetics/Laboratory Corporation of America, LabCorp); PubMed 32961395 (cited by Women's Health and Genetics/Laboratory Corporation of America, LabCorp).

NM_003119.4(SPG7):c.1016C>A (p.Ala339Asp)

Gene: SPG7 (SPG7 matrix AAA peptidase subunit, paraplegin; plus strand). Cytogenetic location: 16q24.3.
Variant type: single nucleotide variant.
Coding change: c.1016C>A on transcript NM_003119.4 (MANE Select); coding-DNA position 1016, C replaced by A.
Protein change: p.Ala339Asp; replaces alanine 339 with aspartic acid.
Molecular consequence: missense variant.
Genome position (GRCh38, 1-based): chr16:89,531,932, C>A. VCF-style: chr16-89531932-C-A. GRCh37 (hg19) VCF-style: chr16-89598340-C-A.
Other names: c.1016C>A, p.Ala339Asp (NM_001363850.1, NM_199367.3); short protein forms A339D.
Identifiers: ClinVar variation 3610701 (VCV003610701.3).
Genomic context (GRCh38, chr16:89,531,932, plus strand): 5'-TAGTTAGTGTTGCATTGTCTGCTGCCGTCCAGAGCCCAGAACGCTTCCTCCAGCTTGGCG[C>A]CAAGGTCCCAAAGGGCGCACTGCTGCTCGGCCCCCCCGGCTGTGGGAAGACGCTGCTGGC-3'
Protein context (NP_003110.1, residues 329-349): KSPERFLQLG[Ala339Asp]KVPKGALLLG